The following is an entry in ClinVar:

ClinVar aggregate classification (germline): Uncertain significance. Review status: criteria provided, multiple submitters, no conflicts (2 of 4 stars). 2 submissions from 2 submitters: Uncertain significance (2). Last evaluated 2024-12-29.

Conditions:
Cardiovascular phenotype. Identifiers: MedGen CN230736.
Dilated cardiomyopathy 1J (CMD1J). Also called: CARDIOMYOPATHY, DILATED, WITH SENSORINEURAL HEARING LOSS, AUTOSOMAL DOMINANT. Identifiers: Orphanet 217622, MedGen C1854368, MONDO:0011541, OMIM 605362.

Allele frequency attached by ClinVar (database versions not stated): gnomAD exomes below 0.00001; ExAC 0.00001; TOPMed 0.00001.
gnomAD v4.1: 2 of 1,613,882 alleles (0.00012%); highest among the groups gnomAD compares: Non-Finnish European, 0.00017%; no homozygotes.

Submissions (2):

Ambry Genetics
Classification: Uncertain significance for Cardiovascular phenotype. Last evaluated: 2024-12-29. Review status: criteria provided, single submitter. Criteria: Ambry Variant Classification Scheme 2023. Collection method: clinical testing. Allele origin: germline.
Comment: The p.A516T variant (also known as c.1546G>A), located in coding exon 16 of the EYA4 gene, results from a G to A substitution at nucleotide position 1546. The alanine at codon 516 is replaced by threonine, an amino acid with similar properties. This amino acid position is conserved. In addition, the in silico prediction for this alteration is inconclusive. Since supporting evidence is limited at this time, the clinical significance of this alteration remains unclear.

Labcorp Genetics (formerly Invitae), Labcorp
Classification: Uncertain significance for Dilated cardiomyopathy 1J. Last evaluated: 2022-07-31. Review status: criteria provided, single submitter. Criteria: Invitae Variant Classification Sherloc (09022015). Collection method: clinical testing. Allele origin: germline.
Comment: In summary, the available evidence is currently insufficient to determine the role of this variant in disease. Therefore, it has been classified as a Variant of Uncertain Significance. Algorithms developed to predict the effect of missense changes on protein structure and function are either unavailable or do not agree on the potential impact of this missense change (SIFT: "Deleterious"; PolyPhen-2: "Probably Damaging"; Align-GVGD: "Class C0"). This variant has not been reported in the literature in individuals affected with EYA4-related conditions. This variant is present in population databases (rs750657561, gnomAD 0.005%). This sequence change replaces alanine, which is neutral and non-polar, with threonine, which is neutral and polar, at codon 516 of the EYA4 protein (p.Ala516Thr).

NM_004100.5(EYA4):c.1546G>A (p.Ala516Thr)

Genes: EYA4 (EYA transcriptional coactivator and phosphatase 4; plus strand), TARID (TCF21 antisense RNA inducing promoter demethylation; minus strand). Cytogenetic location: 6q23.2.
Variant type: single nucleotide variant.
Coding change: c.1546G>A on transcript NM_004100.5 (MANE Select); coding-DNA position 1546, G replaced by A.
Protein change: p.Ala516Thr; replaces alanine 516 with threonine.
Molecular consequence: missense variant.
Genome position (GRCh38, 1-based): chr6:133,515,365, G>A. VCF-style: chr6-133515365-G-A. GRCh37 (hg19) VCF-style: chr6-133836503-G-A.
Other names: c.1384G>A, p.Ala462Thr (NM_001301012.2); c.1564G>A, p.Ala522Thr (NM_001301013.2); c.1477G>A, p.Ala493Thr (NM_001370458.1, NM_172103.4); c.1402G>A, p.Ala468Thr (NM_001370459.1); c.1546G>A, p.Ala516Thr (NM_172105.4); short protein forms A516T, A493T, A462T, A468T, A522T.
Identifiers: ClinVar variation 1774944 (VCV001774944.8), dbSNP rs750657561, ClinGen allele CA4008398.
Genomic context (GRCh38, chr6:133,515,365, plus strand): 5'-TTTTTTGGTGTTGCAGGACTCCTTGGCCCTGCCAAGAGGGATGCCTGGCTACAGTTAAGG[G>A]CAGAGATTGAAGGTCTGACAGATTCCTGGCTAACAAATGCACTTAAGTCTTTATCAATTA-3'
Protein context (NP_004091.3, residues 506-526): AKRDAWLQLR[Ala516Thr]EIEGLTDSWL